The following is an entry in ClinVar:

NM_001368809.2(AMPD2):c.864C>T (p.Cys288=)

Gene: AMPD2 (adenosine monophosphate deaminase 2; plus strand). Cytogenetic location: 1p13.3.
Variant type: single nucleotide variant.
Coding change: c.864C>T on transcript NM_001368809.2 (MANE Select); coding-DNA position 864, C replaced by T.
Protein change: p.Cys288=; no amino-acid change (cysteine 288 retained).
Molecular consequence: synonymous variant.
Genome position (GRCh38, 1-based): chr1:109,627,432, C>T. VCF-style: chr1-109627432-C-T. GRCh37 (hg19) VCF-style: chr1-110170054-C-T.
Other names: c.1026C>T (NM_001257360.1); c.672C>T, p.Cys224= (NM_001257361.2); c.801C>T, p.Cys267= (NM_001308170.1); c.864C>T, p.Cys288= (NM_004037.9); c.783C>T, p.Cys261= (NM_139156.4).
Identifiers: ClinVar variation 3052064 (VCV003052064.2), dbSNP rs777653877, ClinGen allele CA992956.
Genomic context (GRCh38, chr1:109,627,432, plus strand): 5'-TGGGAGAGGCCACAGGGCTCGGCTTGCTCTCCTCACCCAAGCTCCCCTCCATGCCAGTTG[C>T]TCAGAGGTGGAGCTGCCATACCCTGACCTGCAGGAATTTGTGGCTGACGTCAATGTGCTG-3'
Protein context (NP_001355738.1, residues 278-298): VYTRREPDEH[Cys288=]SEVELPYPDL

ClinVar aggregate classification (germline): Likely benign (0 of 4 stars; one submission).

Conditions:
AMPD2-related disorder. Also called: AMPD2-related condition.

Allele frequency attached by ClinVar (database versions not stated): ExAC 0.00001; gnomAD 0.00002; gnomAD exomes 0.00002; TOPMed 0.00002.
gnomAD v4.1: 26 of 1,613,974 alleles (0.0016%); highest among the groups gnomAD compares: Admixed American, 0.005%; no homozygotes.

Submission:

PreventionGenetics, part of Exact Sciences
Classification: Likely benign for AMPD2-related condition. Last evaluated: 2022-07-20. Review status: no assertion criteria provided. Collection method: clinical testing. Allele origin: germline.
Comment: This variant is classified as likely benign based on ACMG/AMP sequence variant interpretation guidelines (Richards et al. 2015 PMID: 25741868, with internal and published modifications).